The following is an entry in ClinVar:

ClinVar aggregate classification (germline): Uncertain significance (1 of 4 stars; one submission).

Conditions:
Hypertrophic cardiomyopathy 26. Also called: Cardiomyopathy, familial hypertrophic, 26. Identifiers: Orphanet 75249, MedGen C4310749, MONDO:0014883, OMIM 617047.
Myofibrillar myopathy 5. Also called: Filaminopathy (type); FILAMINOPATHY, AUTOSOMAL DOMINANT. Identifiers: Orphanet 171445, MedGen C1836050, MONDO:0012289, OMIM 609524.
Distal myopathy with posterior leg and anterior hand involvement. Also called: WILLIAMS DISTAL MYOPATHY. Identifiers: Orphanet 63273, MedGen C3279722, MONDO:0013550, OMIM 614065.

Submission:

Labcorp Genetics (formerly Invitae), Labcorp
Classification: Uncertain significance for Distal myopathy with posterior leg and anterior hand involvement; Myofibrillar myopathy 5; Hypertrophic cardiomyopathy 26. Last evaluated: 2023-11-14. Review status: criteria provided, single submitter. Criteria: Invitae Variant Classification Sherloc (09022015). Collection method: clinical testing. Allele origin: germline.
Comment: This sequence change replaces glycine, which is neutral and non-polar, with alanine, which is neutral and non-polar, at codon 938 of the FLNC protein (p.Gly938Ala). This variant is not present in population databases (gnomAD no frequency). This variant has not been reported in the literature in individuals affected with FLNC-related conditions. An algorithm developed to predict the effect of missense changes on protein structure and function (PolyPhen-2) suggests that this variant is likely to be disruptive. In summary, the available evidence is currently insufficient to determine the role of this variant in disease. Therefore, it has been classified as a Variant of Uncertain Significance.

NM_001458.5(FLNC):c.2813G>C (p.Gly938Ala)

Gene: FLNC (filamin C; plus strand). Cytogenetic location: 7q32.1.
Variant type: single nucleotide variant.
Coding change: c.2813G>C on transcript NM_001458.5 (MANE Select); coding-DNA position 2813, G replaced by C.
Protein change: p.Gly938Ala; replaces glycine 938 with alanine.
Molecular consequence: missense variant.
Genome position (GRCh38, 1-based): chr7:128,843,797, G>C. VCF-style: chr7-128843797-G-C. GRCh37 (hg19) VCF-style: chr7-128483851-G-C.
Other names: c.2813G>C, p.Gly938Ala (NM_001127487.2); short protein forms G938A.
Identifiers: ClinVar variation 2953848 (VCV002953848.3), dbSNP rs2536634628, ClinGen allele CA369193346.